The following is an entry in ClinVar:

ClinVar aggregate classification (germline): Likely pathogenic. Review status: criteria provided, multiple submitters, no conflicts (2 of 4 stars). 2 submissions from 2 submitters: Likely pathogenic (2). Last evaluated 2025-02-21.

Conditions:
ABCC2-related disorder. Also called: ABCC2-related condition.

Allele frequency attached by ClinVar (database versions not stated): ExAC 0.00001; gnomAD 0.00001; gnomAD exomes 0.00001; TOPMed 0.00001.
gnomAD v4.1: 4 of 1,614,056 alleles (0.00025%); highest among the groups gnomAD compares: Non-Finnish European, 0.00034%; no homozygotes.

Submissions (2):

PreventionGenetics, part of Exact Sciences
Classification: Likely pathogenic for ABCC2-related condition. Last evaluated: 2025-02-21. Review status: criteria provided, single submitter. Criteria: ACMG Guidelines, 2015. Collection method: clinical testing. Allele origin: germline.
Comment: The ABCC2 c.1032-2A>G variant is predicted to disrupt the AG splice acceptor site and interfere with normal splicing. To our knowledge, this variant has not been reported in the literature. This variant is reported in 0.00088% of alleles in individuals of European (Non-Finnish) descent in gnomAD. Variants that disrupt the consensus splice acceptor site in ABCC2 are expected to be pathogenic. This variant is interpreted as likely pathogenic.

Labcorp Genetics (formerly Invitae), Labcorp
Classification: Likely pathogenic. Last evaluated: 2023-10-24. Review status: criteria provided, single submitter. Criteria: Invitae Variant Classification Sherloc (09022015). Collection method: clinical testing. Allele origin: germline.
Comment: This sequence change affects an acceptor splice site in intron 8 of the ABCC2 gene. It is expected to disrupt RNA splicing. Variants that disrupt the donor or acceptor splice site typically lead to a loss of protein function (PMID: 16199547), and loss-of-function variants in ABCC2 are known to be pathogenic (PMID: 9185779, 16549534, 16952291). This variant is present in population databases (rs763527398, gnomAD 0.0009%). This variant has not been reported in the literature in individuals affected with ABCC2-related conditions. Algorithms developed to predict the effect of sequence changes on RNA splicing suggest that this variant may disrupt the consensus splice site. In summary, the currently available evidence indicates that the variant is pathogenic, but additional data are needed to prove that conclusively. Therefore, this variant has been classified as Likely Pathogenic.

Literature cited by the submitters: PubMed 16199547 (cited by Labcorp Genetics (formerly Invitae), Labcorp); PubMed 9185779 (cited by Labcorp Genetics (formerly Invitae), Labcorp); PubMed 16549534 (cited by Labcorp Genetics (formerly Invitae), Labcorp); PubMed 16952291 (cited by Labcorp Genetics (formerly Invitae), Labcorp).

NM_000392.5(ABCC2):c.1032-2A>G

Gene: ABCC2 (ATP binding cassette subfamily C member 2; plus strand). Cytogenetic location: 10q24.2.
Variant type: single nucleotide variant.
Coding change: c.1032-2A>G on transcript NM_000392.5 (MANE Select); the canonical splice acceptor site of the intron before coding-DNA position 1032, A replaced by G.
Molecular consequence: splice acceptor variant.
Genome position (GRCh38, 1-based): chr10:99,800,384, A>G. VCF-style: chr10-99800384-A-G. GRCh37 (hg19) VCF-style: chr10-101560141-A-G.
Other names: c.1032-2A>G (NM_000392.4).
Identifiers: ClinVar variation 2991962 (VCV002991962.4), dbSNP rs763527398, ClinGen allele CA5643067.